The following is an entry in ClinVar:

ClinVar aggregate classification (germline): Uncertain significance (1 of 4 stars; one submission).

Conditions:
Cardiovascular phenotype. Identifiers: MedGen CN230736.

Submission:

Ambry Genetics
Classification: Uncertain significance for Cardiovascular phenotype. Last evaluated: 2025-05-03. Review status: criteria provided, single submitter. Criteria: Ambry Variant Classification Scheme 2023. Collection method: clinical testing. Allele origin: germline.
Comment: The p.M1029K variant (also known as c.3086T>A), located in coding exon 20 of the FLNC gene, results from a T to A substitution at nucleotide position 3086. The methionine at codon 1029 is replaced by lysine, an amino acid with similar properties. This amino acid position is conserved. In addition, the in silico prediction for this alteration is inconclusive. Based on the available evidence, the clinical significance of this variant remains unclear.

NM_001458.5(FLNC):c.3086T>A (p.Met1029Lys)

Gene: FLNC (filamin C; plus strand). Cytogenetic location: 7q32.1.
Variant type: single nucleotide variant.
Coding change: c.3086T>A on transcript NM_001458.5 (MANE Select); coding-DNA position 3086, T replaced by A.
Protein change: p.Met1029Lys; replaces methionine 1029 with lysine.
Molecular consequence: missense variant.
Genome position (GRCh38, 1-based): chr7:128,844,160, T>A. VCF-style: chr7-128844160-T-A. GRCh37 (hg19) VCF-style: chr7-128484214-T-A.
Other names: c.3086T>A, p.Met1029Lys (NM_001127487.2); short protein forms M1029K.
Identifiers: ClinVar variation 4025620 (VCV004025620.1).
Genomic context (GRCh38, chr7:128,844,160, plus strand): 5'-GGCCCATCCCCTGCAAGCTGGAGCCAGGCGGTGGAGCGGAAGCCCAGGCTGTGCGCTACA[T>A]GCCCCCGGAGGAGGGGCCCTACAAGGTGGATATCACCTACGATGGTCACCCGGTGCCTGG-3'
Protein context (NP_001449.3, residues 1019-1039): GGAEAQAVRY[Met1029Lys]PPEEGPYKVD